The following is an entry in ClinVar:

ClinVar aggregate classification (germline): Uncertain significance (1 of 4 stars; one submission).

Conditions:
Facioscapulohumeral muscular dystrophy 2 (FSHD2). Also called: MUSCULAR DYSTROPHY, FACIOSCAPULOHUMERAL, TYPE 1B; FACIOSCAPULOHUMERAL MUSCULAR DYSTROPHY 2, DIGENIC; FSHD2, DIGENIC. Identifiers: Orphanet 269, MedGen C1834671, MONDO:0008031, OMIM 158901.

Allele frequency attached by ClinVar (database versions not stated): gnomAD exomes below 0.00001.

Submission:

Labcorp Genetics (formerly Invitae), Labcorp
Classification: Uncertain significance for Facioscapulohumeral muscular dystrophy 2. Last evaluated: 2022-07-12. Review status: criteria provided, single submitter. Criteria: Invitae Variant Classification Sherloc (09022015). Collection method: clinical testing. Allele origin: germline.
Comment: This sequence change replaces methionine, which is neutral and non-polar, with valine, which is neutral and non-polar, at codon 1573 of the SMCHD1 protein (p.Met1573Val). This variant is not present in population databases (gnomAD no frequency). In summary, the available evidence is currently insufficient to determine the role of this variant in disease. Therefore, it has been classified as a Variant of Uncertain Significance. Algorithms developed to predict the effect of sequence changes on RNA splicing suggest that this variant may create or strengthen a splice site. Algorithms developed to predict the effect of missense changes on protein structure and function output the following: SIFT: "Tolerated"; PolyPhen-2: "Benign"; Align-GVGD: "Class C0". The valine amino acid residue is found in multiple mammalian species, which suggests that this missense change does not adversely affect protein function. ClinVar contains an entry for this variant (Variation ID: 939546). This variant has not been reported in the literature in individuals affected with SMCHD1-related conditions.

NM_015295.3(SMCHD1):c.4717A>G (p.Met1573Val)

Gene: SMCHD1 (structural maintenance of chromosomes flexible hinge domain containing 1; plus strand). Cytogenetic location: 18p11.32.
Variant type: single nucleotide variant.
Coding change: c.4717A>G on transcript NM_015295.3 (MANE Select); coding-DNA position 4717, A replaced by G.
Protein change: p.Met1573Val; replaces methionine 1573 with valine.
Molecular consequence: missense variant.
Genome position (GRCh38, 1-based): chr18:2,763,787, A>G. VCF-style: chr18-2763787-A-G. GRCh37 (hg19) VCF-style: chr18-2763785-A-G.
Other names: short protein forms M1573V.
Identifiers: ClinVar variation 939546 (VCV000939546.9), dbSNP rs1428214885, ClinGen allele CA401697642.